The following is an entry in ClinVar:

NM_001122769.3(LCA5):c.401A>C (p.Lys134Thr)

Gene: LCA5 (lebercilin LCA5; minus strand). Cytogenetic location: 6q14.1.
Variant type: single nucleotide variant.
Coding change: c.401A>C on transcript NM_001122769.3 (MANE Select); coding-DNA position 401, A replaced by C.
Protein change: p.Lys134Thr; replaces lysine 134 with threonine.
Molecular consequence: missense variant.
Genome position (GRCh38, 1-based): chr6:79,513,531, T>G on the plus strand (A>C on the coding strand, the complement: LCA5 is on the minus strand). VCF-style: chr6-79513531-T-G. GRCh37 (hg19) VCF-style: chr6-80223248-T-G.
Other names: c.401A>C, p.Lys134Thr (NM_181714.4); short protein forms K134T.
Identifiers: ClinVar variation 358104 (VCV000358104.16), dbSNP rs200395970, ClinGen allele CA3901128.

ClinVar aggregate classification (germline): Conflicting classifications of pathogenicity. Review status: criteria provided, conflicting classifications (1 of 4 stars). 6 submissions from 6 submitters: Pathogenic (1); Uncertain significance (4). 1 of the submissions does not count toward it. Last evaluated 2022-11-01.

Conditions:
Retinitis pigmentosa (RP). Identifiers: Orphanet 791, MedGen C0035334, MeSH D012174, MONDO:0019200, OMIM 268000. Inheritance: Autosomal dominant, autosomal recessive and X linked inheritance.
Leber congenital amaurosis 5 (LCA5). Also called: Amaurosis congenita of Leber, type 5. Identifiers: Orphanet 65, MedGen C1858301, MONDO:0011473, OMIM 604537.

Allele frequency attached by ClinVar (database versions not stated): ExAC 0.00002; gnomAD exomes 0.00002 and 0.00004; TOPMed 0.00002; gnomAD 0.00003; ESP Exome Variant Server 0.00008.
gnomAD v4.1: 30 of 1,613,818 alleles (0.0019%); highest among the groups gnomAD compares: Middle Eastern, 0.016%; no homozygotes.

Submissions (6):

Labcorp Genetics (formerly Invitae), Labcorp
Classification: Uncertain significance. Last evaluated: 2022-11-01. Review status: criteria provided, single submitter. Criteria: Invitae Variant Classification Sherloc (09022015). Collection method: clinical testing. Allele origin: germline.
Comment: This sequence change replaces lysine, which is basic and polar, with threonine, which is neutral and polar, at codon 134 of the LCA5 protein (p.Lys134Thr). This variant is present in population databases (rs200395970, gnomAD 0.009%). This missense change has been observed in individual(s) with retinal disease (PMID: 32531858). ClinVar contains an entry for this variant (Variation ID: 358104). Advanced modeling of protein sequence and biophysical properties (such as structural, functional, and spatial information, amino acid conservation, physicochemical variation, residue mobility, and thermodynamic stability) performed at Invitae indicates that this missense variant is expected to disrupt LCA5 protein function. In summary, the available evidence is currently insufficient to determine the role of this variant in disease. Therefore, it has been classified as a Variant of Uncertain Significance.

Blueprint Genetics
Classification: Uncertain significance. Last evaluated: 2022-03-18. Review status: criteria provided, single submitter. Criteria: ACMG Guidelines, 2015. Collection method: clinical testing. Allele origin: germline.

Women's Health and Genetics/Laboratory Corporation of America, LabCorp
Classification: Uncertain significance. Last evaluated: 2021-07-22. Review status: criteria provided, single submitter. Criteria: LabCorp Variant Classification Summary - May 2015. Collection method: clinical testing. Allele origin: germline.
Comment: Variant summary: LCA5 c.401A>C (p.Lys134Thr) results in a non-conservative amino acid change located in the Lebercilin domain (IPR028933) of the encoded protein sequence. Five of five in-silico tools predict a damaging effect of the variant on protein function. The variant allele was found at a frequency of 4e-05 in 250826 control chromosomes (gnomAD). This frequency is not higher than expected for a pathogenic variant in LCA5 causing Leber Congenital Amaurosis (4e-05 vs 0.00071), allowing no conclusion about variant significance. c.401A>C has been reported in the literature in individuals affected with sporadic retinitis pigmentosa and macular dystrophy (Weisschuh_2020, Doucette_2021). These reports do not provide unequivocal conclusions about association of the variant with Leber Congenital Amaurosis. To our knowledge, no experimental evidence demonstrating an impact on protein function has been reported. One ClinVar submitter (evaluation after 2014) cites the variant as uncertain significance while another ClinVar submitter (evaluation after 2014) cites it as pathogenic. Based on the evidence outlined above, the variant was classified as uncertain significance until additional evidence of clinical and/or functional importance becomes available.

Molecular Genetics Laboratory, Institute for Ophthalmic Research
Classification: Pathogenic for Retinitis pigmentosa. Last evaluated: 2020-01-09. Review status: criteria provided, single submitter. Criteria: ACMG Guidelines, 2015. Collection method: research. Allele origin: germline. Affected: yes.

Illumina Laboratory Services, Illumina
Classification: Uncertain significance for Leber congenital amaurosis 5. Last evaluated: 2018-01-13. Review status: criteria provided, single submitter. Criteria: ICSL Variant Classification Criteria 13 December 2019. Collection method: clinical testing. Allele origin: germline.

Natera, Inc.
Classification: Uncertain significance for Leber congenital amaurosis type 5. Last evaluated: 2019-10-28. Review status: no assertion criteria provided. Collection method: clinical testing. Allele origin: germline. Not counted in ClinVar's aggregate classification.

Literature cited by the submitters: PubMed 32531858 (cited by Labcorp Genetics (formerly Invitae), Labcorp and Women's Health and Genetics/Laboratory Corporation of America, LabCorp); PubMed 33776059 (cited by Women's Health and Genetics/Laboratory Corporation of America, LabCorp).